The following is an entry in ClinVar:

NM_032634.4(PIGO):c.2612A>C (p.His871Pro)

Gene: PIGO (phosphatidylinositol glycan anchor biosynthesis class O; minus strand). Cytogenetic location: 9p13.3.
Variant type: single nucleotide variant.
Coding change: c.2612A>C on transcript NM_032634.4 (MANE Select); coding-DNA position 2612, A replaced by C.
Protein change: p.His871Pro; replaces histidine 871 with proline.
Molecular consequence: missense variant.
Genome position (GRCh38, 1-based): chr9:35,091,275, T>G on the plus strand (A>C on the coding strand, the complement: PIGO is on the minus strand). VCF-style: chr9-35091275-T-G. GRCh37 (hg19) VCF-style: chr9-35091272-T-G.
Other names: c.2612A>C (NM_032634.3); c.1361A>C, p.His454Pro (NM_001201484.2, NM_152850.4); short protein forms H454P, H871P.
Identifiers: ClinVar variation 1016317 (VCV001016317.9), dbSNP rs909488930, ClinGen allele CA192709641.

ClinVar aggregate classification (germline): Conflicting classifications of pathogenicity. Review status: criteria provided, conflicting classifications (1 of 4 stars). 3 submissions from 3 submitters: Likely pathogenic (1); Uncertain significance (2). Last evaluated 2023-08-28.

Conditions:
Hyperphosphatasia with impaired intellectual development syndrome 2. Also called: Hyperphosphatasia with intellectual disability syndrome 2; GLYCOSYLPHOSPHATIDYLINOSITOL BIOSYNTHESIS DEFECT 6. Identifiers: Orphanet 247262, MedGen C3553637, MONDO:0013882, OMIM 614749.
Inborn genetic diseases. Identifiers: MedGen C0950123, MeSH D030342.

Allele frequency attached by ClinVar (database versions not stated): gnomAD 0.00001; TOPMed below 0.00001.
gnomAD v4.1: 2 of 1,609,238 alleles (0.00012%); highest among the groups gnomAD compares: African/African-American, 0.0027%; no homozygotes.

Submissions (3):

GeneDx
Classification: Likely pathogenic. Last evaluated: 2023-08-28. Review status: criteria provided, single submitter. Criteria: GeneDx Variant Classification Process June 2021. Collection method: clinical testing. Allele origin: germline. Affected: yes.
Comment: In silico analysis supports that this missense variant has a deleterious effect on protein structure/function; Not observed at significant frequency in large population cohorts (gnomAD); This variant is associated with the following publications: (PMID: 31698102, 34441372, 28545593)

Ambry Genetics
Classification: Uncertain significance for Inborn genetic diseases. Last evaluated: 2021-06-25. Review status: criteria provided, single submitter. Criteria: Ambry Variant Classification Scheme 2023. Collection method: clinical testing. Allele origin: germline.
Comment: (Morren, 2017) Based on insufficient or conflicting evidence, the clinical significance of this alteration remains unclear.

Labcorp Genetics (formerly Invitae), Labcorp
Classification: Uncertain significance for Hyperphosphatasia with impaired intellectual development syndrome 2. Last evaluated: 2021-05-06. Review status: criteria provided, single submitter. Criteria: Invitae Variant Classification Sherloc (09022015). Collection method: clinical testing. Allele origin: germline.
Comment: This variant has been observed in individual(s) with clinical features of PIGO-related conditions (PMID: 28545593, Invitae). In at least one individual the data is consistent with the variant being in trans (on the opposite chromosome) from a pathogenic variant. This sequence change replaces histidine with proline at codon 871 of the PIGO protein (p.His871Pro). The histidine residue is moderately conserved and there is a moderate physicochemical difference between histidine and proline. This variant is not present in population databases (ExAC no frequency). Algorithms developed to predict the effect of missense changes on protein structure and function are either unavailable or do not agree on the potential impact of this missense change (SIFT: "Tolerated"; PolyPhen-2: "Possibly Damaging"; Align-GVGD: "Class C0"). In summary, the available evidence is currently insufficient to determine the role of this variant in disease. Therefore, it has been classified as a Variant of Uncertain Significance.

Literature cited by the submitters: PubMed 28545593 (cited by Ambry Genetics and Labcorp Genetics (formerly Invitae), Labcorp).